The following is an entry in ClinVar:

ClinVar aggregate classification (germline): Uncertain significance (1 of 4 stars; one submission).

Conditions:
Hereditary cancer-predisposing syndrome. Also called: Hereditary neoplastic syndrome; Neoplastic Syndromes, Hereditary; Tumor predisposition; Hereditary Cancer Syndrome. Identifiers: Orphanet 140162, MedGen C0027672, MeSH D009386, MONDO:0015356.

Submission:

Ambry Genetics
Classification: Uncertain significance for Hereditary cancer-predisposing syndrome. Last evaluated: 2025-07-16. Review status: criteria provided, single submitter. Criteria: Ambry Variant Classification Scheme 2023. Collection method: clinical testing. Allele origin: germline.
Comment: The c.4204_4205delGCinsAA variant (also known as p.A1402N), located in coding exon 15 of the APC gene, results from an in-frame deletion of GC and insertion of AA at nucleotide positions 4204 to 4205. This results in the substitution of the alanine residue for an asparagine residue at codon 1402, an amino acid with dissimilar properties. This amino acid position is highly conserved in available vertebrate species. Based on the available evidence, the clinical significance of this variant remains unclear.

NM_000038.6(APC):c.4204_4205delinsAA (p.Ala1402Asn)

Gene: APC (APC regulator of Wnt signaling pathway; plus strand). Cytogenetic location: 5q22.2.
Variant type: Indel.
Coding change: c.4204_4205delinsAA on transcript NM_000038.6 (MANE Select); coding-DNA positions 4204 to 4205, GC replaced by AA.
Protein change: p.Ala1402Asn; replaces alanine 1402 with asparagine.
Molecular consequence: missense variant. On other transcripts: non-coding transcript variant (2).
Genome position (GRCh38, 1-based): chr5:112,839,798-112,839,799, GC replaced by AA. VCF-style: chr5-112839798-GC-AA. GRCh37 (hg19) VCF-style: chr5-112175495-GC-AA.
Other names: c.4204_4205delinsAA, p.Ala1402Asn (NM_001127510.3, NM_001354895.2, NM_001407450.1); c.4150_4151delinsAA, p.Ala1384Asn (NM_001127511.3); c.4258_4259delinsAA, p.Ala1420Asn (NM_001354896.2, NM_001407447.1, NM_001407448.1 and 1 more transcripts); c.4234_4235delinsAA, p.Ala1412Asn (NM_001354897.2); c.4129_4130delinsAA, p.Ala1377Asn (NM_001354898.2); c.4120_4121delinsAA, p.Ala1374Asn (NM_001354899.2); c.4081_4082delinsAA, p.Ala1361Asn (NM_001354900.2); c.4027_4028delinsAA, p.Ala1343Asn (NM_001354901.2, NM_001407453.1); and 11 more; short protein forms A1018N, A1319N, A1343N, A1412N, A1430N, A1276N, A1361N, A1420N.
Identifiers: ClinVar variation 4120698 (VCV004120698.1).